The following is an entry in ClinVar:

ClinVar aggregate classification (germline): Conflicting classifications of pathogenicity. Review status: criteria provided, conflicting classifications (1 of 4 stars). 4 submissions from 4 submitters: Uncertain significance (1); Likely benign (2). 1 of the submissions does not count toward it. Last evaluated 2026-07-01.

Conditions:
Inborn genetic diseases. Identifiers: MedGen C0950123, MeSH D030342.
MAP3K1-related disorder. Also called: MAP3K1-related condition.
46,XY sex reversal 6. Also called: 46,XY SEX REVERSAL, PARTIAL OR COMPLETE, MAP3K1-RELATED; 46,XY GONADAL DYSGENESIS, PARTIAL OR COMPLETE, MAP3K1-RELATED. Identifiers: MedGen C3151064, MONDO:0013410, OMIM 613762.

Allele frequency attached by ClinVar (database versions not stated): ESP Exome Variant Server 0.00017; gnomAD 0.00024 and 0.00026; gnomAD exomes 0.00025 and 0.00031; ExAC 0.00026; TOPMed 0.00027; 1000 Genomes Project 0.00040; 1000 Genomes Project 30x 0.00047.
gnomAD v4.1: 399 of 1,613,972 alleles (0.025%); highest among the groups gnomAD compares: Admixed American, 0.085%; no homozygotes.

Submissions (4):

Ambry Genetics
Classification: Uncertain significance for Inborn genetic diseases. Last evaluated: 2026-07-01. Review status: criteria provided, single submitter. Criteria: Ambry Variant Classification Scheme 2023. Collection method: clinical testing. Allele origin: germline.
Comment: The p.M811V variant (also known as c.2431A>G), located in coding exon 14 of the MAP3K1 gene, results from an A to G substitution at nucleotide position 2431. The methionine at codon 811 is replaced by valine, an amino acid with highly similar properties. This amino acid position is conserved. In addition, this alteration is predicted to be tolerated by in silico analysis. Based on the available evidence, the clinical significance of this variant remains unclear.

Labcorp Genetics (formerly Invitae), Labcorp
Classification: Likely benign for 46,XY sex reversal 6. Last evaluated: 2024-10-22. Review status: criteria provided, single submitter. Criteria: Invitae Variant Classification Sherloc (09022015). Collection method: clinical testing. Allele origin: germline.

Fulgent Genetics
Classification: Likely benign for 46,XY sex reversal 6. Last evaluated: 2022-03-31. Review status: criteria provided, single submitter. Criteria: ACMG Guidelines, 2015. Collection method: clinical testing. Allele origin: unknown.

PreventionGenetics, part of Exact Sciences
Classification: Likely benign for MAP3K1-related condition. Last evaluated: 2022-08-02. Review status: no assertion criteria provided. Collection method: clinical testing. Allele origin: germline. Not counted in ClinVar's aggregate classification.
Comment: This variant is classified as likely benign based on ACMG/AMP sequence variant interpretation guidelines (Richards et al. 2015 PMID: 25741868, with internal and published modifications).

NM_005921.2(MAP3K1):c.2431A>G (p.Met811Val)

Gene: MAP3K1 (mitogen-activated protein kinase kinase kinase 1; plus strand). Cytogenetic location: 5q11.2.
Variant type: single nucleotide variant.
Coding change: c.2431A>G on transcript NM_005921.2 (MANE Select); coding-DNA position 2431, A replaced by G.
Protein change: p.Met811Val; replaces methionine 811 with valine.
Molecular consequence: missense variant.
Genome position (GRCh38, 1-based): chr5:56,881,631, A>G. VCF-style: chr5-56881631-A-G. GRCh37 (hg19) VCF-style: chr5-56177458-A-G.
Other names: short protein forms M811V.
Identifiers: ClinVar variation 773980 (VCV000773980.13), dbSNP rs189290632, ClinGen allele CA3273001.